The following is an entry in ClinVar:

ClinVar aggregate classification (germline): Likely pathogenic (1 of 4 stars; one submission).

Conditions:
Trimethylaminuria (TMAU). Also called: Fish malodor syndrome; Stale fish syndrome; TMAuria; FISH-ODOR SYNDROME; Primary Trimethylaminuria. Identifiers: MedGen C0342739, MONDO:0011182, OMIM 602079, HP:0003614. Disease mechanism: loss of function.

Allele frequency attached by ClinVar (database versions not stated): gnomAD exomes below 0.00001; ExAC 0.00001; gnomAD 0.00003; TOPMed 0.00003.

Submission:

Women's Health and Genetics/Laboratory Corporation of America, LabCorp
Classification: Likely pathogenic for Trimethylaminuria. Last evaluated: 2023-04-26. Review status: criteria provided, single submitter. Criteria: LabCorp Variant Classification Summary - May 2015. Collection method: clinical testing. Allele origin: germline.
Comment: Variant summary: FMO3 c.584C>T (p.Ser195Leu) results in a non-conservative amino acid change in the encoded protein sequence. Three of five in-silico tools predict a damaging effect of the variant on protein function. The variant allele was found at a frequency of 1.2e-05 in 251246 control chromosomes. The available data on variant occurrences in the general population are insufficient to allow any conclusion about variant significance. c.584C>T has been reported in the literature in at least one compound heterozygous individual affected with Trimethylaminuria (e.g., Shimizu_2012). The same study also reported experimental evidence evaluating an impact on protein function, finding that the variant results in a 94% reduction in trimethylamine (TMA) N-oxygenation efficiency compared to wild type (Shimizu_2012). A structural modelling study also suggested that the S195L variant may destabilize NADP+ binding and accelerate decay of the C4a-hydroperoxy-FAD intermediate, which is essential for substrate oxygenation, and therefore may explain the observed reduction in enzymatic efficiency observed in vivo (Gao_2016). The following publications have been ascertained in the context of this evaluation (PMID: 27523475, 10376762, 22819296). No clinical diagnostic laboratories have submitted clinical-significance assessments for this variant to ClinVar after 2014. Based on the evidence outlined above, the variant was classified as likely pathogenic.

Literature cited by the submitters: PubMed 27523475; PubMed 10376762; PubMed 22819296.

NM_001002294.3(FMO3):c.584C>T (p.Ser195Leu)

Genes: FMO3 (flavin containing dimethylaniline monoxygenase 3; plus strand), LOC126805916 (BRD4-independent group 4 enhancer GRCh37_chr1:171076844-171078043; plus strand). Cytogenetic location: 1q24.3.
Variant type: single nucleotide variant.
Coding change: c.584C>T on transcript NM_001002294.3 (MANE Select); coding-DNA position 584, C replaced by T.
Protein change: p.Ser195Leu; replaces serine 195 with leucine.
Molecular consequence: missense variant.
Genome position (GRCh38, 1-based): chr1:171,108,178, C>T. VCF-style: chr1-171108178-C-T. GRCh37 (hg19) VCF-style: chr1-171077319-C-T.
Other names: c.584C>T, p.Ser195Leu (NM_006894.6); c.524C>T, p.Ser175Leu (NM_001319173.2); c.395C>T, p.Ser132Leu (NM_001319174.2); c.584C>T (NM_001002294.2); short protein forms S132L, S175L, S195L.
Identifiers: ClinVar variation 2503941 (VCV002503941.1), dbSNP rs775749562, ClinGen allele CA1240578.